The following is an entry in ClinVar:

NM_032830.3(UTP4):c.1901G>A (p.Arg634Gln)

Gene: UTP4 (UTP4 small subunit processome component). Cytogenetic location: 16q22.1.
Variant type: single nucleotide variant.
Coding change: c.1901G>A on transcript NM_032830.3 (MANE Select); coding-DNA position 1901, G replaced by A.
Protein change: p.Arg634Gln; replaces arginine 634 with glutamine.
Molecular consequence: missense variant.
Genome position (GRCh38, 1-based): chr16:69,167,142, G>A. VCF-style: chr16-69167142-G-A. GRCh37 (hg19) VCF-style: chr16-69201045-G-A.
Other names: c.1652G>A, p.Arg551Gln (NM_001318391.2); short protein forms R551Q, R634Q.
Identifiers: ClinVar variation 2399898 (VCV002399898.6), dbSNP rs139624123, ClinGen allele CA8132583.

ClinVar aggregate classification (germline): Uncertain significance. Review status: criteria provided, multiple submitters, no conflicts (2 of 4 stars). 3 submissions from 3 submitters: Uncertain significance (3). Last evaluated 2026-05-26.

Conditions:
UTP4-related disorder. Also called: UTP4-related condition.

Allele frequency attached by ClinVar (database versions not stated): gnomAD exomes 0.00003; ExAC 0.00012; 1000 Genomes Project 30x 0.00016; 1000 Genomes Project 0.00020; TOPMed 0.00034; ESP Exome Variant Server 0.00038; gnomAD 0.00041.
gnomAD v4.1: 112 of 1,613,690 alleles (0.0069%); highest among the groups gnomAD compares: African/African-American, 0.12%; no homozygotes.

Submissions (3):

PreventionGenetics, part of Exact Sciences
Classification: Uncertain significance for UTP4-related condition. Last evaluated: 2026-05-26. Review status: criteria provided, single submitter. Criteria: ACMG Guidelines, 2015. Collection method: clinical testing. Allele origin: germline.
Comment: The UTP4 c.1901G>A variant is predicted to result in the amino acid substitution p.Arg634Gln. To our knowledge, this variant has not been reported in the literature. This variant is reported in 0.10% of alleles in individuals of African descent in gnomAD, which may be too frequent to be a primary cause of disease. Although we suspect that this variant may be benign, at this time, the clinical significance of this variant is uncertain due to the absence of conclusive functional and genetic evidence.

Labcorp Genetics (formerly Invitae), Labcorp
Classification: Uncertain significance. Last evaluated: 2026-01-16. Review status: criteria provided, single submitter. Criteria: Invitae Variant Classification Sherloc (09022015). Collection method: clinical testing. Allele origin: germline.
Comment: This sequence change replaces arginine, which is basic and polar, with glutamine, which is neutral and polar, at codon 634 of the UTP4 protein (p.Arg634Gln). This variant is present in population databases (rs139624123, gnomAD 0.1%), and has an allele count higher than expected for a pathogenic variant. This variant has not been reported in the literature in individuals affected with UTP4-related conditions. ClinVar contains an entry for this variant (Variation ID: 2399898). Invitae Evidence Modeling of protein sequence and biophysical properties (such as structural, functional, and spatial information, amino acid conservation, physicochemical variation, residue mobility, and thermodynamic stability) indicates that this missense variant is not expected to disrupt UTP4 protein function with a negative predictive value of 80%. In summary, the available evidence is currently insufficient to determine the role of this variant in disease. Therefore, it has been classified as a Variant of Uncertain Significance.

Ambry Genetics
Classification: Uncertain significance. Last evaluated: 2021-07-06. Review status: criteria provided, single submitter. Criteria: Ambry Variant Classification Scheme 2023. Collection method: clinical testing. Allele origin: germline.